The following is an entry in ClinVar:

ClinVar aggregate classification (germline): Uncertain significance. Review status: criteria provided, multiple submitters, no conflicts (2 of 4 stars). 4 submissions from 4 submitters: Uncertain significance (4). Last evaluated 2025-09-04.

Conditions:
Hereditary cancer-predisposing syndrome. Also called: Hereditary neoplastic syndrome; Tumor predisposition; Neoplastic Syndromes, Hereditary; Hereditary Cancer Syndrome. Identifiers: Orphanet 140162, MedGen C0027672, MeSH D009386, MONDO:0015356.
Hereditary breast ovarian cancer syndrome. Also called: Hereditary breast and ovarian cancer; Hereditary breast and/or ovarian cancer syndrome; Hereditary breast and ovarian cancer syndrome; Hereditary breast and ovarian cancer syndrome (HBOC); Breast and ovarian cancer; BRCA1- and BRCA2-Associated Hereditary Breast and Ovarian Cancer. Identifiers: Orphanet 145, MedGen C0677776, MeSH D061325, MONDO:0003582. Disease mechanism: loss of function.
BRCA2-related cancer predisposition. Identifiers: MedGen CN377758, MONDO:0700269.

Submissions (4):

Ambry Genetics
Classification: Uncertain significance for Hereditary cancer-predisposing syndrome. Last evaluated: 2025-09-04. Review status: criteria provided, single submitter. Criteria: Ambry Variant Classification Scheme 2023. Collection method: clinical testing. Allele origin: germline.
Comment: The c.6147_6149delGGT variant (also known as p.V2050del) is located in coding exon 10 of the BRCA2 gene. This variant results from an in-frame GGT deletion at nucleotide positions 6147 to 6149. This results in the in-frame deletion of a valine at codon 2050. This amino acid position is not well conserved in available vertebrate species. In addition, this alteration is predicted to be neutral by in silico analysis (Choi Y et al. PLoS ONE. 2012; 7(10):e46688). Based on the available evidence, the clinical significance of this variant remains unclear.

All of Us Research Program, National Institutes of Health
Classification: Uncertain significance for BRCA2-related cancer predisposition. Last evaluated: 2024-05-14. Review status: criteria provided, single submitter. Criteria: ACMG Guidelines, 2015. Collection method: clinical testing. Allele origin: germline. Inheritance: Autosomal dominant inheritance. Observed: 1 variant allele, 1 heterozygote.
Comment: This variant causes an in-frame deletion of one amino acid, valine at codon 2050, in the BRCA2 protein. To our knowledge, functional studies have not been reported for this variant. This variant has not been reported in individuals affected with BRCA2-related disorders in the literature. This variant has been identified in 3/282356 chromosomes in the general population by the Genome Aggregation Database (gnomAD). The available evidence is insufficient to determine the role of this variant in disease conclusively. Therefore, this variant is classified as a Variant of Uncertain Significance.

This study involves interpretation of variants in research participants for the purpose of population health screening. Participant phenotype was not available at the time of variant classification. Additional details can be found in publication PMID: 35346344, PMCID: PMC8962531

Labcorp Genetics (formerly Invitae), Labcorp
Classification: Uncertain significance for Hereditary breast ovarian cancer syndrome. Last evaluated: 2023-10-24. Review status: criteria provided, single submitter. Criteria: Invitae Variant Classification Sherloc (09022015). Collection method: clinical testing. Allele origin: germline.
Comment: This variant, c.6147_6149del, results in the deletion of 1 amino acid(s) of the BRCA2 protein (p.Val2050del), but otherwise preserves the integrity of the reading frame. This variant is present in population databases (rs779563857, gnomAD 0.01%). This variant has not been reported in the literature in individuals affected with BRCA2-related conditions. ClinVar contains an entry for this variant (Variation ID: 419177). Experimental studies and prediction algorithms are not available or were not evaluated, and the functional significance of this variant is currently unknown. In summary, the available evidence is currently insufficient to determine the role of this variant in disease. Therefore, it has been classified as a Variant of Uncertain Significance.

GeneDx
Classification: Uncertain significance. Last evaluated: 2015-06-02. Review status: criteria provided, single submitter. Criteria: GeneDx Variant Classification (06012015). Collection method: clinical testing. Allele origin: germline. Affected: yes.
Comment: This deletion of 3 nucleotides in BRCA2 is denoted c.6147_6149delGGT at the cDNA level and p.Val2050del (V2050del) at the protein level. The normal sequence, with the bases that are deleted in braces, is ATGT[GGT]AAAT. This in frame deletion of a single Valine residue occurs at a position that is not conserved across species and is not located in a known functional domain. This variant has not, to our knowledge, been published in the literature as pathogenic or benign. Since in frame deletions may or may not inhibit proper protein functioning, the clinical significance of this finding remains unclear at this time and we consider BRCA2 Val2050del to be a variant of uncertain significance.

NM_000059.4(BRCA2):c.6147_6149del (p.Val2050del)

Gene: BRCA2 (BRCA2 DNA repair associated; plus strand). Cytogenetic location: 13q13.1.
Variant type: Deletion.
Coding change: c.6147_6149del on transcript NM_000059.4 (MANE Select); coding-DNA positions 6147 to 6149, 3 bases deleted (GGT; older notation c.6147_6149delGGT).
Protein change: p.Val2050del; deletes valine 2050.
Molecular consequence: inframe deletion.
Genome position (GRCh38, 1-based): chr13:32,340,502-32,340,504, GGT deleted; deleting any 3 consecutive bases within chr13:32,340,500-32,340,504 gives the same sequence; the c. name uses the placement nearest the transcript's 3' end. VCF-style (leftmost placement, unchanged base first): chr13-32340499-TGTG-T. GRCh37 (hg19) VCF-style: chr13-32914636-TGTG-T.
Other names: c.6147_6149delGGT (NM_000059.3); short protein forms V2050del.
Identifiers: ClinVar variation 419177 (VCV000419177.14), dbSNP rs779563857, ClinGen allele CA6940929.